The following is an entry in ClinVar:

NM_206538.4(EMC10):c.585-1G>T

Gene: EMC10 (ER membrane protein complex subunit 10; plus strand). Cytogenetic location: 19q13.33.
Variant type: single nucleotide variant.
Coding change: c.585-1G>T on transcript NM_206538.4 (MANE Select); the canonical splice acceptor site of the intron before coding-DNA position 585, G replaced by T.
Molecular consequence: splice acceptor variant.
Genome position (GRCh38, 1-based): chr19:50,480,883, G>T. VCF-style: chr19-50480883-G-T. GRCh37 (hg19) VCF-style: chr19-50984140-G-T.
Other names: c.585-1G>T (NM_175063.6).
Identifiers: ClinVar variation 2650346 (VCV002650346.24), dbSNP rs765664334, ClinGen allele CA9599135.

ClinVar aggregate classification (germline): Pathogenic (1 of 4 stars; one submission).

Allele frequency attached by ClinVar (database versions not stated): ExAC 0.00002; TOPMed 0.00002; gnomAD 0.00003; gnomAD exomes 0.00010.
gnomAD v4.1: 140 of 1,604,164 alleles (0.0087%); highest among the groups gnomAD compares: Non-Finnish European, 0.012%; no homozygotes.

Submission:

CeGaT Center for Human Genetics Tuebingen
Classification: Pathogenic. Last evaluated: 2022-10-01. Review status: criteria provided, single submitter. Criteria: CeGaT Center For Human Genetics Tuebingen Variant Classification Criteria Version 2. Collection method: clinical testing. Allele origin: germline. Affected: yes. Observed: 1 variant allele.
Comment: EMC10: PVS1, PM2